The following is an entry in ClinVar:

NM_004370.6(COL12A1):c.863C>T (p.Ala288Val)

Gene: COL12A1 (collagen type XII alpha 1 chain; minus strand). Cytogenetic location: 6q13.
Variant type: single nucleotide variant.
Coding change: c.863C>T on transcript NM_004370.6 (MANE Select); coding-DNA position 863, C replaced by T.
Protein change: p.Ala288Val; replaces alanine 288 with valine.
Molecular consequence: missense variant. On other transcripts: intron variant (1).
Genome position (GRCh38, 1-based): chr6:75,188,496, G>A on the plus strand (C>T on the coding strand, the complement: COL12A1 is on the minus strand). VCF-style: chr6-75188496-G-A. GRCh37 (hg19) VCF-style: chr6-75898212-G-A.
Other names: c.73+14224C>T (NM_080645.3); short protein forms A288V.
Identifiers: ClinVar variation 662305 (VCV000662305.9), dbSNP rs1385414325, ClinGen allele CA364727675.

ClinVar aggregate classification (germline): Uncertain significance (1 of 4 stars; one submission).

Conditions:
Ullrich congenital muscular dystrophy 2 (UCMD2). Identifiers: Orphanet 75840, MedGen C4225314, MONDO:0014654, OMIM 616470.
Bethlem myopathy 2 (BTHLM2). Identifiers: Orphanet 536516, Orphanet 610, MedGen C4225313, MONDO:0034022, OMIM 616471.

Allele frequency attached by ClinVar (database versions not stated): gnomAD exomes below 0.00001.

Submission:

Labcorp Genetics (formerly Invitae), Labcorp
Classification: Uncertain significance for Bethlem myopathy 2; Ullrich congenital muscular dystrophy 2. Last evaluated: 2022-07-06. Review status: criteria provided, single submitter. Criteria: Invitae Variant Classification Sherloc (09022015). Collection method: clinical testing. Allele origin: germline.
Comment: Algorithms developed to predict the effect of missense changes on protein structure and function are either unavailable or do not agree on the potential impact of this missense change (SIFT: "Deleterious"; PolyPhen-2: "Probably Damaging"; Align-GVGD: "Class C0"). This sequence change replaces alanine, which is neutral and non-polar, with valine, which is neutral and non-polar, at codon 288 of the COL12A1 protein (p.Ala288Val). This variant is present in population databases (no rsID available, gnomAD 0.0009%). This variant has not been reported in the literature in individuals affected with COL12A1-related conditions. ClinVar contains an entry for this variant (Variation ID: 662305). In summary, the available evidence is currently insufficient to determine the role of this variant in disease. Therefore, it has been classified as a Variant of Uncertain Significance.